The following is an entry in ClinVar:

NM_001308093.3(GATA4):c.25G>A (p.Ala9Thr)

Gene: GATA4 (GATA binding protein 4). Cytogenetic location: 8p23.1.
Variant type: single nucleotide variant.
Coding change: c.25G>A on transcript NM_001308093.3 (MANE Select); coding-DNA position 25, G replaced by A.
Protein change: p.Ala9Thr; replaces alanine 9 with threonine.
Molecular consequence: missense variant. On other transcripts: intron variant (3).
Genome position (GRCh38, 1-based): chr8:11,708,337, G>A. VCF-style: chr8-11708337-G-A. GRCh37 (hg19) VCF-style: chr8-11565846-G-A.
Other names: c.25G>A, p.Ala9Thr (NM_002052.5); c.-6+7559G>A (NM_001308094.2); c.-3+323G>A (NM_001374274.1); c.-3+4033G>A (NM_001374273.1); short protein forms A9T.
Identifiers: ClinVar variation 219227 (VCV000219227.4), dbSNP rs864321699, ClinGen allele CA347953.
Genomic context (GRCh38, chr8:11,708,337, plus strand): 5'-GAGAGAGGACACCGAAGCCGGGAGCTCGCAGGGACCATGTATCAGAGCTTGGCCATGGCC[G>A]CCAACCACGGGCCGCCCCCCGGTGCCTACGAGGCGGGCGGCCCCGGCGCCTTCATGCACG-3'
Protein context (NP_001295022.1, residues 1-19): MYQSLAMA[Ala9Thr]NHGPPPGAYE

ClinVar aggregate classification (germline): Uncertain significance. Review status: criteria provided, multiple submitters, no conflicts (2 of 4 stars). 3 submissions from 3 submitters: Uncertain significance (2). 1 of the submissions does not count toward it. Last evaluated 2026-06-27.

Conditions:
GATA4-related disorder. Also called: GATA4-related condition. Identifiers: MedGen CN860321.
Congenital heart disease (CHD). Identifiers: MedGen C0152021, MONDO:0005453. Disease mechanism: unknown.
Tetralogy of Fallot (TOF). Identifiers: Orphanet 3303, MedGen C0039685, MONDO:0008542, OMIM 187500, HP:0001636.

Allele frequency attached by ClinVar (database versions not stated): gnomAD exomes below 0.00001; gnomAD 0.00001; TOPMed 0.00002.
gnomAD v4.1: 2 of 1,583,724 alleles (0.00013%); highest among the groups gnomAD compares: African/African-American, 0.0013%; no homozygotes.

Submissions (3):

PreventionGenetics, part of Exact Sciences
Classification: Uncertain significance for GATA4-related condition. Last evaluated: 2026-06-27. Review status: criteria provided, single submitter. Criteria: ACMG Guidelines, 2015. Collection method: clinical testing. Allele origin: germline.
Comment: The GATA4 c.25G>A variant is predicted to result in the amino acid substitution p.Ala9Thr. This variant has been reported with a second GATA4 variant in an individual with patent ductus arteriosus and pulmonary stenosis (Dixit et al. 2018. PubMed ID: 30152191). This variant has not been reported in a large population database (gnomAD), indicating this variant is rare. An alternate missense substitution affecting the same amino acid position (p.Ala9Pro) has also been reported in multiple individuals from a family with tetralogy of Fallot (Yang et al. 2013. PubMed ID: 24000169). At this time, the clinical significance of the c.25G>A (p.Ala9Thr) variant is uncertain due to the absence of conclusive functional and genetic evidence.

Victorian Clinical Genetics Services, Murdoch Childrens Research Institute
Classification: Uncertain significance for Tetralogy of Fallot. Last evaluated: 2022-02-02. Review status: criteria provided, single submitter. Criteria: ACMG Guidelines, 2015. Collection method: clinical testing. Allele origin: germline. Inheritance: Autosomal dominant inheritance. Affected: yes.
Comment: Based on the classification scheme VCGS_Germline_v1.3.4, this variant is classified as VUS-3A. Following criteria are met: 0102 - Loss of function is a known mechanism of disease in this gene and is associated with atrial septal defect 2 (MIM#607941), atrioventricular septal defect 4 (MIM#614430), tetralogy of fallot (MIM#187500) and ventricular septal defect 1 (MIM#614429). (I) 0107 - This gene is associated with autosomal dominant disease. (I) 0112 - The condition associated with this gene has incomplete penetrance and has been reported in one large family with atrial septial defect (PMID: 20347099). (I) 0115 - Variants in this gene are known to have variable expressivity and has been reported in one large family with atrial septial defect (PMID: 20347099). (I) 0200 - Variant is predicted to result in a missense amino acid change from alanine to threonine. (I) 0251 - This variant is heterozygous. (I) 0302 - Variant is present in gnomAD (v3) <0.001 for a dominant condition (1 heterozygote, 0 homozygotes). (SP) 0309 - An alternative amino acid change at the same position has been observed in gnomAD (v2) (1 heterozygote, 0 homozygotes). (I) 0504 - Same amino acid change has been observed in placental mammals. (SB) 0600 - Variant is located in the annotated GATA-type transcription activator N-terminal domain (DECIPHER). (I) 0704 - Another variant comparable to the one identified in this case has limited previous evidence for pathogenicity. The p.(Ala9Pro) variant has been reported in one Chinese family with tetralogy of fallot. The mutant construct also demonstrated reduced DNA-binding activity compared to the wild type construct (PMID: 24000169). (SP) 0809 - Previous evidence of pathogenicity for this variant is inconclusive. This variant was identified in one individual with congenital heart disease, who also carried a second GATA4 variant in cis (p.(Ala8Asp)) (PMID: 30152191) . (I) 0905 - No published segregation evidence has been identified for this variant. (I) 1007 - No published functional evidence has been identified for this variant. (I) 1207 - Parental origin of the variant is unresolved. The proband's father has not been tested for the variant and it is therefore unknown if the variant is paternally inherited or de novo. (I) Legend: (SP) - Supporting pathogenic, (I) - Information, (SB) - Supporting benign

Cytogenetics- Mohapatra Lab, Banaras Hindu University
Classification: Pathogenic for Congenital heart disease. Last evaluated: 2013-05-15. Review status: no assertion criteria provided. Collection method: case-control. Allele origin: unknown. Affected: yes. Observed: 1 variant allele. Not counted in ClinVar's aggregate classification.

Literature cited by the submitters: PubMed 20347099 (cited by Victorian Clinical Genetics Services, Murdoch Childrens Research Institute); PubMed 24000169 (cited by Victorian Clinical Genetics Services, Murdoch Childrens Research Institute); PubMed 30152191 (cited by Victorian Clinical Genetics Services, Murdoch Childrens Research Institute).